The following is an entry in ClinVar:

ClinVar aggregate classification (germline): Conflicting classifications of pathogenicity. Review status: criteria provided, conflicting classifications (1 of 4 stars). 2 submissions from 2 submitters: Uncertain significance (1); Benign (1). Last evaluated 2024-07-27.

Conditions:
Adams-Oliver syndrome 5 (AOS5). Identifiers: Orphanet 974, MedGen C4014970, MONDO:0014459, OMIM 616028.
Familial thoracic aortic aneurysm and aortic dissection (TAAD). Also called: Thoracic aortic aneurysms and dissections. Identifiers: Orphanet 91387, MedGen C4707243, MONDO:0019625.

Allele frequency attached by ClinVar (database versions not stated): ExAC 0.00001; TOPMed 0.00001.
gnomAD v4.1: 17 of 1,611,430 alleles (0.0011%); highest among the groups gnomAD compares: South Asian, 0.0022%; no homozygotes.

Submissions (2):

Labcorp Genetics (formerly Invitae), Labcorp
Classification: Benign for Adams-Oliver syndrome 5. Last evaluated: 2024-07-27. Review status: criteria provided, single submitter. Criteria: Invitae Variant Classification Sherloc (09022015). Collection method: clinical testing. Allele origin: germline.

Ambry Genetics
Classification: Uncertain significance for Familial thoracic aortic aneurysm and aortic dissection. Last evaluated: 2021-07-27. Review status: criteria provided, single submitter. Criteria: Ambry Variant Classification Scheme 2023. Collection method: clinical testing. Allele origin: germline.
Comment: The p.D118N variant (also known as c.352G>A), located in coding exon 3 of the NOTCH1 gene, results from a G to A substitution at nucleotide position 352. The aspartic acid at codon 118 is replaced by asparagine, an amino acid with highly similar properties. This amino acid position is conserved. In addition, this alteration is predicted to be tolerated by in silico analysis. Since supporting evidence is limited at this time, the clinical significance of this alteration remains unclear.

NM_017617.5(NOTCH1):c.352G>A (p.Asp118Asn)

Gene: NOTCH1 (notch receptor 1; minus strand). Cytogenetic location: 9q34.3.
Variant type: single nucleotide variant.
Coding change: c.352G>A on transcript NM_017617.5 (MANE Select); coding-DNA position 352, G replaced by A.
Protein change: p.Asp118Asn; replaces aspartic acid 118 with asparagine.
Molecular consequence: missense variant.
Genome position (GRCh38, 1-based): chr9:136,523,768, C>T on the plus strand (G>A on the coding strand, the complement: NOTCH1 is on the minus strand). VCF-style: chr9-136523768-C-T. GRCh37 (hg19) VCF-style: chr9-139418220-C-T.
Other names: short protein forms D118N.
Identifiers: ClinVar variation 1414675 (VCV001414675.8), dbSNP rs745590123, ClinGen allele CA5342200.